The following is an entry in ClinVar:

ClinVar aggregate classification (germline): Uncertain significance. Review status: criteria provided, single submitter (1 of 4 stars). 2 submissions from 2 submitters: Uncertain significance (1). 1 of the submissions does not count toward it. Last evaluated 2021-08-26.

Conditions:
PCNT-related disorder. Also called: PCNT-related condition.

Allele frequency attached by ClinVar (database versions not stated): ExAC 0.00001; gnomAD exomes 0.00003 and 0.00004.

Submissions (2):

Labcorp Genetics (formerly Invitae), Labcorp
Classification: Uncertain significance. Last evaluated: 2021-08-26. Review status: criteria provided, single submitter. Criteria: Invitae Variant Classification Sherloc (09022015). Collection method: clinical testing. Allele origin: germline.
Comment: This sequence change replaces glycine with serine at codon 229 of the PCNT protein (p.Gly229Ser). The glycine residue is weakly conserved and there is a small physicochemical difference between glycine and serine. This variant is present in population databases (rs750556592, ExAC 0.002%). This variant has not been reported in the literature in individuals affected with PCNT-related conditions. Algorithms developed to predict the effect of missense changes on protein structure and function output the following: SIFT: "Tolerated"; PolyPhen-2: "Benign"; Align-GVGD: "Class C0". The serine amino acid residue is found in multiple mammalian species, which suggests that this missense change does not adversely affect protein function. In summary, the available evidence is currently insufficient to determine the role of this variant in disease. Therefore, it has been classified as a Variant of Uncertain Significance.

PreventionGenetics, part of Exact Sciences
Classification: Uncertain significance for PCNT-related condition. Last evaluated: 2024-03-12. Review status: no assertion criteria provided. Collection method: clinical testing. Allele origin: germline. Not counted in ClinVar's aggregate classification.
Comment: The PCNT c.685G>A variant is predicted to result in the amino acid substitution p.Gly229Ser. To our knowledge, this variant has not been reported in the literature. This variant is reported in 0.023% of alleles in individuals of Latino descent in gnomAD. At this time, the clinical significance of this variant is uncertain due to the absence of conclusive functional and genetic evidence.

NM_006031.6(PCNT):c.685G>A (p.Gly229Ser)

Gene: PCNT (pericentrin; plus strand). Cytogenetic location: 21q22.3.
Variant type: single nucleotide variant.
Coding change: c.685G>A on transcript NM_006031.6 (MANE Select); coding-DNA position 685, G replaced by A.
Protein change: p.Gly229Ser; replaces glycine 229 with serine.
Molecular consequence: missense variant.
Genome position (GRCh38, 1-based): chr21:46,346,173, G>A. VCF-style: chr21-46346173-G-A. GRCh37 (hg19) VCF-style: chr21-47766087-G-A.
Other names: c.331G>A, p.Gly111Ser (NM_001315529.2); c.685G>A (NM_006031.5); short protein forms G111S, G229S.
Identifiers: ClinVar variation 1435466 (VCV001435466.6), dbSNP rs750556592, ClinGen allele CA10078360.